The following is an entry in ClinVar:

ClinVar aggregate classification (germline): Uncertain significance. Review status: criteria provided, multiple submitters, no conflicts (2 of 4 stars). 2 submissions from 2 submitters: Uncertain significance (2). Last evaluated 2023-11-27.

Conditions:
Deficiency of butyryl-CoA dehydrogenase (ACADSD). Also called: SCADH DEFICIENCY; SCAD DEFICIENCY, MILD; ACYL-CoA DEHYDROGENASE, SHORT-CHAIN, DEFICIENCY OF; ACADS DEFICIENCY; Short-Chain Acyl-CoA Dehydrogenase Deficiency; SCAD Deficiency. Identifiers: Orphanet 26792, MedGen C0342783, MONDO:0008722, OMIM 201470. Disease mechanism: May be benign.

Allele frequency attached by ClinVar (database versions not stated): gnomAD 0.00001; gnomAD exomes 0.00001.
gnomAD v4.1: 10 of 1,599,584 alleles (0.00063%); highest among the groups gnomAD compares: Middle Eastern, 0.017%; no homozygotes.

Submissions (2):

Labcorp Genetics (formerly Invitae), Labcorp
Classification: Uncertain significance for Deficiency of butyryl-CoA dehydrogenase. Last evaluated: 2023-11-27. Review status: criteria provided, single submitter. Criteria: Invitae Variant Classification Sherloc (09022015). Collection method: clinical testing. Allele origin: germline.
Comment: This sequence change replaces isoleucine, which is neutral and non-polar, with asparagine, which is neutral and polar, at codon 105 of the ACADS protein (p.Ile105Asn). This variant is not present in population databases (gnomAD no frequency). This missense change has been observed in individual(s) with short-chain acyl-CoA dehydrogenase deficiency (PMID: 18523805). ClinVar contains an entry for this variant (Variation ID: 460385). Advanced modeling of protein sequence and biophysical properties (such as structural, functional, and spatial information, amino acid conservation, physicochemical variation, residue mobility, and thermodynamic stability) performed at Invitae indicates that this missense variant is expected to disrupt ACADS protein function with a positive predictive value of 95%. Experimental studies have shown that this missense change affects ACADS function (PMID: 18523805). In summary, the available evidence is currently insufficient to determine the role of this variant in disease. Therefore, it has been classified as a Variant of Uncertain Significance.

Breakthrough Genomics
Classification: Uncertain significance. Review status: criteria provided, single submitter. Criteria: ACMG Guidelines, 2015. Collection method: not provided. Allele origin: germline. Inheritance: Autosomal recessive inheritance. Affected: yes.

Literature cited by the submitters: PubMed 18523805 (cited by Labcorp Genetics (formerly Invitae), Labcorp).

NM_000017.4(ACADS):c.314T>A (p.Ile105Asn)

Gene: ACADS (acyl-CoA dehydrogenase short chain; plus strand). Cytogenetic location: 12q24.31.
Variant type: single nucleotide variant.
Coding change: c.314T>A on transcript NM_000017.4 (MANE Select); coding-DNA position 314, T replaced by A.
Protein change: p.Ile105Asn; replaces isoleucine 105 with asparagine.
Molecular consequence: missense variant.
Genome position (GRCh38, 1-based): chr12:120,737,089, T>A. VCF-style: chr12-120737089-T-A. GRCh37 (hg19) VCF-style: chr12-121174892-T-A.
Other names: c.314T>A, p.Ile105Asn (NM_001302554.2); short protein forms I105N.
Identifiers: ClinVar variation 460385 (VCV000460385.11), dbSNP rs1035363801, ClinGen allele CA244521567.